The following is an entry in ClinVar:

ClinVar aggregate classification (germline): Uncertain significance. Review status: criteria provided, multiple submitters, no conflicts (2 of 4 stars). 2 submissions from 2 submitters: Uncertain significance (2). Last evaluated 2023-04-12.

Conditions:
Hereditary cancer-predisposing syndrome. Also called: Neoplastic Syndromes, Hereditary; Tumor predisposition; Hereditary Cancer Syndrome; Hereditary neoplastic syndrome. Identifiers: Orphanet 140162, MedGen C0027672, MeSH D009386, MONDO:0015356.
Familial cancer of breast. Also called: BREAST CANCER, FAMILIAL; Hereditary breast cancer; hereditary breast carcinoma. Identifiers: Orphanet 227535, MedGen C0346153, MONDO:0016419, OMIM 114480. Disease mechanism: loss of function.

Submissions (2):

Labcorp Genetics (formerly Invitae), Labcorp
Classification: Uncertain significance for Familial cancer of breast. Last evaluated: 2023-04-12. Review status: criteria provided, single submitter. Criteria: Invitae Variant Classification Sherloc (09022015). Collection method: clinical testing. Allele origin: germline.
Comment: In summary, the available evidence is currently insufficient to determine the role of this variant in disease. Therefore, it has been classified as a Variant of Uncertain Significance. Advanced modeling of protein sequence and biophysical properties (such as structural, functional, and spatial information, amino acid conservation, physicochemical variation, residue mobility, and thermodynamic stability) performed at Invitae indicates that this missense variant is not expected to disrupt PALB2 protein function. ClinVar contains an entry for this variant (Variation ID: 1782109). This variant has not been reported in the literature in individuals affected with PALB2-related conditions. This variant is not present in population databases (gnomAD no frequency). This sequence change replaces lysine, which is basic and polar, with threonine, which is neutral and polar, at codon 356 of the PALB2 protein (p.Lys356Thr).

Ambry Genetics
Classification: Uncertain significance for Hereditary cancer-predisposing syndrome. Last evaluated: 2021-04-20. Review status: criteria provided, single submitter. Criteria: Ambry Variant Classification Scheme 2023. Collection method: clinical testing. Allele origin: germline.
Comment: The p.K356T variant (also known as c.1067A>C), located in coding exon 4 of the PALB2 gene, results from an A to C substitution at nucleotide position 1067. The lysine at codon 356 is replaced by threonine, an amino acid with similar properties. This amino acid position is poorly conserved in available vertebrate species. In addition, this alteration is predicted to be tolerated by in silico analysis. Since supporting evidence is limited at this time, the clinical significance of this alteration remains unclear.

NM_024675.4(PALB2):c.1067A>C (p.Lys356Thr)

Gene: PALB2 (partner and localizer of BRCA2; minus strand). Cytogenetic location: 16p12.2.
Variant type: single nucleotide variant.
Coding change: c.1067A>C on transcript NM_024675.4 (MANE Select); coding-DNA position 1067, A replaced by C.
Protein change: p.Lys356Thr; replaces lysine 356 with threonine.
Molecular consequence: missense variant.
Genome position (GRCh38, 1-based): chr16:23,635,479, T>G on the plus strand (A>C on the coding strand, the complement: PALB2 is on the minus strand). VCF-style: chr16-23635479-T-G. GRCh37 (hg19) VCF-style: chr16-23646800-T-G.
Other names: c.1007A>C, p.Lys336Thr (NM_001407296.1); c.1067A>C, p.Lys356Thr (NM_001407297.1, NM_001407298.1, NM_001407299.1 and 3 more transcripts); c.182A>C, p.Lys61Thr (NM_001407304.1, NM_001407305.1, NM_001407306.1 and 5 more transcripts); short protein forms K336T, K356T, K61T.
Identifiers: ClinVar variation 1782109 (VCV001782109.5), dbSNP rs2142426883, ClinGen allele CA395134030.